The following is an entry in ClinVar:

NM_001385079.1(PDE10A):c.1539G>T (p.Val513=)

Gene: PDE10A (phosphodiesterase 10A; minus strand). Cytogenetic location: 6q27.
Variant type: single nucleotide variant.
Coding change: c.1539G>T on transcript NM_001385079.1 (MANE Select); coding-DNA position 1539, G replaced by T.
Protein change: p.Val513=; no amino-acid change (valine 513 retained).
Molecular consequence: synonymous variant.
Genome position (GRCh38, 1-based): chr6:165,431,425, C>A on the plus strand (G>T on the coding strand, the complement: PDE10A is on the minus strand). VCF-style: chr6-165431425-C-A. GRCh37 (hg19) VCF-style: chr6-165844913-C-A.
Other names: c.741G>T, p.Val247= (NM_001130690.3); c.711G>T, p.Val237= (NM_006661.4).
Identifiers: ClinVar variation 2988345 (VCV002988345.25), dbSNP rs766435738, ClinGen allele CA4092370.
Genomic context (GRCh38, chr6:165,431,425, plus strand): 5'-ACTCCAAAAACCTCTTCTCCCTTAGGAAGCCCCTGCAAAAACACCCCAAAGACTCACCTG[C>A]ACCTGATGTATTGCTACTGAAGCCCAGGCAAGATTTGCTGTTGCAACCTAAAAAAAACAA-3'
Protein context (NP_001372008.1, residues 503-523): LAWASVAIHQ[Val513=]QVCRGLAKQT

ClinVar aggregate classification (germline): Likely benign. Review status: criteria provided, multiple submitters, no conflicts (2 of 4 stars). 2 submissions from 2 submitters: Likely benign (2). Last evaluated 2024-02-01.

Allele frequency attached by ClinVar (database versions not stated): ExAC 0.00001; gnomAD 0.00001.
gnomAD v4.1: 9 of 1,597,438 alleles (0.00056%); highest among the groups gnomAD compares: South Asian, 0.0011%; no homozygotes.

Submissions (2):

CeGaT Center for Human Genetics Tuebingen
Classification: Likely benign. Last evaluated: 2024-02-01. Review status: criteria provided, single submitter. Criteria: CeGaT Center For Human Genetics Tuebingen Variant Classification Criteria Version 2. Collection method: clinical testing. Allele origin: germline. Affected: yes. Observed: 1 variant allele.
Comment: PDE10A: BP4, BP7

Labcorp Genetics (formerly Invitae), Labcorp
Classification: Likely benign. Last evaluated: 2023-08-10. Review status: criteria provided, single submitter. Criteria: Invitae Variant Classification Sherloc (09022015). Collection method: clinical testing. Allele origin: germline.